The following is an entry in ClinVar:

ClinVar aggregate classification (germline): Conflicting classifications of pathogenicity. Review status: criteria provided, conflicting classifications (1 of 4 stars). 8 submissions from 8 submitters: Uncertain significance (5); Likely benign (3). Last evaluated 2026-05-04.

Conditions:
MYBPC3-related disorder. Also called: MYBPC3-related disorders; MYBPC3-related condition; MYBPC3-related disease.
Cardiomyopathy (CMYO). Also called: Cardiomyopathies. Identifiers: Orphanet 167848, MedGen C0878544, MONDO:0004994, HP:0001638. Inheritance: Various modes of inheritance.
Hypertrophic cardiomyopathy. Also called: HYPERTROPHIC MYOCARDIOPATHY. Identifiers: Orphanet 217569, MedGen C0007194, MeSH D002312, MONDO:0005045, HP:0001639.

Allele frequency attached by ClinVar (database versions not stated): gnomAD 0.00001.
gnomAD v4.1: 8 of 1,595,078 alleles (0.0005%); highest among the groups gnomAD compares: East Asian, 0.016%; no homozygotes.

Submissions (8):

Women's Health and Genetics/Laboratory Corporation of America, LabCorp
Classification: Uncertain significance. Last evaluated: 2026-05-04. Review status: criteria provided, single submitter. Criteria: LabCorp Variant Classification Summary - May 2015. Collection method: clinical testing. Allele origin: germline.
Comment: Variant summary: MYBPC3 c.852-10C>G alters a nucleotide located at a position not widely known to affect splicing. Several computational tools predict a significant impact on normal splicing: Three predict the variant weakens a 3' acceptor site. One predicts the variant abolishes a cryptic 3' acceptor site. One predicts the variant has no significant impact on splicing. However, these predictions have yet to be confirmed by functional studies. The variant allele was found at a frequency of 9.1e-06 in 219092 control chromosomes. The available data on variant occurrences in the general population are insufficient to allow any conclusion about variant significance. c.852-10C>G has been observed in an individual from a hypertrophic cardiomyopathy cohort (Liu_2013). This report does not provide unequivocal conclusions about association of the variant with MYBPC3-related conditions. To our knowledge, no experimental evidence demonstrating an impact on protein function has been reported. The following publication has been ascertained in the context of this evaluation (PMID: 23711808). ClinVar contains an entry for this variant (Variation ID: 188537). Based on the evidence outlined above, the variant was classified as uncertain significance.

Labcorp Genetics (formerly Invitae), Labcorp
Classification: Likely benign for Hypertrophic cardiomyopathy. Last evaluated: 2025-08-11. Review status: criteria provided, single submitter. Criteria: Invitae Variant Classification Sherloc (09022015). Collection method: clinical testing. Allele origin: germline.

PreventionGenetics, part of Exact Sciences
Classification: Uncertain significance for MYBPC3-related condition. Last evaluated: 2025-06-17. Review status: criteria provided, single submitter. Criteria: ACMG Guidelines, 2015. Collection method: clinical testing. Allele origin: germline.
Comment: The MYBPC3 c.852-10C>G variant is predicted to interfere with splicing. This variant was reported in an individual with hypertrophic cardiomyopathy (Liu et al. 2013. PubMed ID: 23711808). This variant is reported in 0.013% of alleles in individuals of East Asian descent in gnomAD. However, the use of computer prediction programs is not equivalent to functional evidence, and therefore the clinical significance of this variant is uncertain.

Molecular Diagnostic Laboratory for Inherited Cardiovascular Disease, Montreal Heart Institute
Classification: Likely benign. Last evaluated: 2025-04-09. Review status: criteria provided, single submitter. Criteria: ACMG Guidelines, 2015. Collection method: clinical testing. Allele origin: germline. Affected: no.

All of Us Research Program, National Institutes of Health
Classification: Uncertain significance for Hypertrophic cardiomyopathy. Last evaluated: 2024-01-11. Review status: criteria provided, single submitter. Criteria: ACMG Guidelines, 2015. Collection method: clinical testing. Allele origin: germline. Inheritance: Autosomal dominant inheritance. Observed: 1 variant allele, 1 heterozygote.
Comment: This study involves interpretation of variants in research participants for the purpose of population health screening. Participant phenotype was not available at the time of variant classification. Additional details can be found in publication PMID: 35346344, PMCID: PMC8962531

CHEO Genetics Diagnostic Laboratory, Children's Hospital of Eastern Ontario
Classification: Uncertain significance for Cardiomyopathy. Last evaluated: 2023-03-17. Review status: criteria provided, single submitter. Criteria: ACMG Guidelines, 2015. Collection method: clinical testing. Allele origin: germline.

Laboratory for Molecular Medicine, Mass General Brigham Personalized Medicine
Classification: Uncertain significance. Last evaluated: 2019-08-29. Review status: criteria provided, single submitter. Criteria: LMM Criteria. Collection method: clinical testing. Allele origin: germline. Observed: 2 variant alleles.
Comment: Variant classified as Uncertain Significance - Favor Benign. The c.852-10C>G variant in MYBPC3 has been reported in the literature in 1 individual with HCM (Liu 2013). It has been identified in 2/15996 East Asian chromosomes by gnomAD. This variant is located in the 3' splice region. Computational tools do not suggest an impact to splicing. However, this information is not predictive enough to rule out pathogenicity. In summary, while the clinical significance of this variant is uncertain, these data suggest that it is more likely to be benign. ACMG/AMP Criteria applied: BP4.

GeneDx
Classification: Likely benign. Last evaluated: 2019-06-04. Review status: criteria provided, single submitter. Criteria: GeneDx Variant Classification Process June 2021. Collection method: clinical testing. Allele origin: germline. Affected: yes.
Comment: This variant is associated with the following publications: (PMID: 23711808)

Literature cited by the submitters: PubMed 23711808 (cited by Women's Health and Genetics/Laboratory Corporation of America, LabCorp and Laboratory for Molecular Medicine, Mass General Brigham Personalized Medicine).

NM_000256.3(MYBPC3):c.852-10C>G

Gene: MYBPC3 (myosin binding protein C3; minus strand). Cytogenetic location: 11p11.2.
Variant type: single nucleotide variant.
Coding change: c.852-10C>G on transcript NM_000256.3 (MANE Select); 10 bases into the intron before coding-DNA position 852, C replaced by G.
Molecular consequence: intron variant.
Genome position (GRCh38, 1-based): chr11:47,347,489, G>C on the plus strand (C>G on the coding strand, the complement: MYBPC3 is on the minus strand). VCF-style: chr11-47347489-G-C. GRCh37 (hg19) VCF-style: chr11-47369040-G-C.
Identifiers: ClinVar variation 188537 (VCV000188537.21), dbSNP rs750425291, ClinGen allele CA015958.